The following is an entry in ClinVar:

ClinVar aggregate classification (germline): Uncertain significance (1 of 4 stars; one submission).

Submission:

Dasa
Classification: Uncertain significance. Last evaluated: 2025-03-11. Review status: criteria provided, single submitter. Criteria: DASA Assertion Criteria. Collection method: clinical testing. Allele origin: germline.
Comment: NM_003587.5(DHX16):c.3087G>A (p.Met1029Ile) is a missense variant that results in the substitution of methionine with isoleucine. This variant is rare in population databases. Computational prediction algorithms are consistent with a benign effect. The currently available literature and clinical evidence are not sufficient to establish a definitive association between this variant and the reported condition. Therefore, this variant is classified as a variant of uncertain significance.

NM_003587.5(DHX16):c.3087G>A (p.Met1029Ile)

Gene: DHX16 (DEAH-box helicase 16; minus strand). Cytogenetic location: 6p21.33.
Variant type: single nucleotide variant.
Coding change: c.3087G>A on transcript NM_003587.5 (MANE Select); coding-DNA position 3087, G replaced by A.
Protein change: p.Met1029Ile; replaces methionine 1029 with isoleucine.
Molecular consequence: missense variant.
Genome position (GRCh38, 1-based): chr6:30,653,281, C>T on the plus strand (G>A on the coding strand, the complement: DHX16 is on the minus strand). VCF-style: chr6-30653281-C-T. GRCh37 (hg19) VCF-style: chr6-30621058-C-T.
Other names: c.2907G>A, p.Met969Ile (NM_001164239.2); c.1644G>A, p.Met548Ile (NM_001363515.2); short protein forms M1029I, M548I, M969I.
Identifiers: ClinVar variation 4881220 (VCV004881220.2).